The following is an entry in ClinVar:

NM_006311.4(NCOR1):c.180G>A (p.Gln60=)

Gene: NCOR1 (nuclear receptor corepressor 1; minus strand). Cytogenetic location: 17p11.2.
Variant type: single nucleotide variant.
Coding change: c.180G>A on transcript NM_006311.4 (MANE Select); coding-DNA position 180, G replaced by A.
Protein change: p.Gln60=; no amino-acid change (glutamine 60 retained).
Molecular consequence: synonymous variant. On other transcripts: intron variant (1).
Genome position (GRCh38, 1-based): chr17:16,186,616, C>T on the plus strand (G>A on the coding strand, the complement: NCOR1 is on the minus strand). VCF-style: chr17-16186616-C-T. GRCh37 (hg19) VCF-style: chr17-16089930-C-T.
Other names: c.180G>A, p.Gln60= (NM_001190440.2, NM_001439111.1, NM_001439112.1 and 4 more transcripts); c.108+7846G>A (NM_001190438.2).
Identifiers: ClinVar variation 3052555 (VCV003052555.2), dbSNP rs139772447, ClinGen allele CA8409653.
Genomic context (GRCh38, chr17:16,186,616, plus strand): 5'-GTCAGAACCTGGGTGAAATTCTGAAAGCAAGGAAGGTCGCCTTCGAAGCTGTTGCTGCTG[C>T]TGTTGCTGCAAAAGCTGTGATGCCTGACTCACTTCAAGATGAGAGGAACGATAATCAGGG-3'
Protein context (NP_006302.2, residues 50-70): VSQASQLLQQ[Gln60=]QQQQLRRRPS

ClinVar aggregate classification (germline): Benign (0 of 4 stars; one submission).

Conditions:
NCOR1-related disorder. Also called: NCOR1-related condition.

Allele frequency attached by ClinVar (database versions not stated): gnomAD exomes 0.00020; TOPMed 0.00044; gnomAD 0.00047; ExAC 0.00095; 1000 Genomes Project 30x 0.00219; 1000 Genomes Project 0.00260.
gnomAD v4.1: 409 of 1,614,074 alleles (0.025%); highest among the groups gnomAD compares: East Asian, 0.75%; no homozygotes.

Submission:

PreventionGenetics, part of Exact Sciences
Classification: Benign for NCOR1-related condition. Last evaluated: 2019-03-20. Review status: no assertion criteria provided. Collection method: clinical testing. Allele origin: germline.
Comment: This variant is classified as benign based on ACMG/AMP sequence variant interpretation guidelines (Richards et al. 2015 PMID: 25741868, with internal and published modifications).